The following is an entry in ClinVar:

NM_001351578.2(ODF2):c.2193G>A (p.Ala731=)

Genes: ODF2 (outer dense fiber of sperm tails 2; plus strand), LOC113839524 (Sharpr-MPRA regulatory region 9551; plus strand). Cytogenetic location: 9q34.11.
Variant type: single nucleotide variant.
Coding change: c.2193G>A on transcript NM_001351578.2 (MANE Select); coding-DNA position 2193, G replaced by A.
Protein change: p.Ala731=; no amino-acid change (alanine 731 retained).
Molecular consequence: synonymous variant.
Genome position (GRCh38, 1-based): chr9:128,496,073, G>A. VCF-style: chr9-128496073-G-A. GRCh37 (hg19) VCF-style: chr9-131258352-G-A.
Other names: c.1758G>A, p.Ala586= (NM_001351587.2); c.1701G>A, p.Ala567= (NM_001351588.2); c.1872G>A, p.Ala624= (NM_002540.5, NM_001351583.2, NM_001351586.2); c.1944G>A, p.Ala648= (NM_153433.2, NM_001242353.2); c.2136G>A, p.Ala712= (NM_153435.1); c.2193G>A, p.Ala731= (NM_001351577.1); c.1929G>A, p.Ala643= (NM_001351579.2, NM_001351580.2, NM_001351584.2 and 2 more transcripts); c.2076G>A, p.Ala692= (NM_001351581.1); and 1 more.
Identifiers: ClinVar variation 2659536 (VCV002659536.24), dbSNP rs138553212, ClinGen allele CA5263195.

ClinVar aggregate classification (germline): Likely benign (1 of 4 stars; one submission).

Allele frequency attached by ClinVar (database versions not stated): 1000 Genomes Project 0.00120; 1000 Genomes Project 30x 0.00172; TOPMed 0.00274; gnomAD 0.00286; ExAC 0.00317; ESP Exome Variant Server 0.00338; gnomAD exomes 0.00428.
gnomAD v4.1: 6,672 of 1,613,934 alleles (0.41%); highest among the groups gnomAD compares: Non-Finnish European, 0.51%; 18 homozygotes.

Submission:

CeGaT Center for Human Genetics Tuebingen
Classification: Likely benign. Last evaluated: 2023-03-01. Review status: criteria provided, single submitter. Criteria: CeGaT Center For Human Genetics Tuebingen Variant Classification Criteria Version 2. Collection method: clinical testing. Allele origin: germline. Affected: yes. Observed: 1 variant allele.
Comment: ODF2: BP4, BP7, BS2